The following is an entry in ClinVar:

ClinVar aggregate classification (germline): Pathogenic (1 of 4 stars; one submission).

Conditions:
Primary ciliary dyskinesia. Also called: Ciliary dyskinesia. Identifiers: Orphanet 244, MedGen C0008780, MONDO:0016575, HP:0012265.

Submission:

Labcorp Genetics (formerly Invitae), Labcorp
Classification: Pathogenic for Primary ciliary dyskinesia. Last evaluated: 2025-09-01. Review status: criteria provided, single submitter. Criteria: Invitae Variant Classification Sherloc (09022015). Collection method: clinical testing. Allele origin: germline.
Comment: This sequence change creates a premature translational stop signal (p.Trp3997*) in the DNAH11 gene. It is expected to result in an absent or disrupted protein product. Loss-of-function variants in DNAH11 are known to be pathogenic (PMID: 18022865, 20513915, 22184204). This variant is not present in population databases (gnomAD no frequency). This variant has not been reported in the literature in individuals affected with DNAH11-related conditions. For these reasons, this variant has been classified as Pathogenic.

Literature cited by the submitters: PubMed 18022865; PubMed 20513915; PubMed 22184204.

NM_001277115.2(DNAH11):c.11990G>A (p.Trp3997Ter)

Gene: DNAH11 (dynein axonemal heavy chain 11; plus strand). Cytogenetic location: 7p15.3.
Variant type: single nucleotide variant.
Coding change: c.11990G>A on transcript NM_001277115.2 (MANE Select); coding-DNA position 11990, G replaced by A.
Protein change: p.Trp3997Ter; replaces tryptophan 3997 with a stop codon.
Molecular consequence: nonsense.
Genome position (GRCh38, 1-based): chr7:21,873,296, G>A. VCF-style: chr7-21873296-G-A. GRCh37 (hg19) VCF-style: chr7-21912914-G-A.
Other names: short protein forms W3997*.
Identifiers: ClinVar variation 4806397 (VCV004806397.1).
Genomic context (GRCh38, chr7:21,873,296, plus strand): 5'-TCACCTTCACAGGAATTATGCACCATGCTATCTTTCAGAATGTTCATTTGGTAGCCAAGT[G>A]GCTAGGAACCTTGGAGAAGCTCCTTGAAAGATTCAGCCAAGGAAGCCACAGAGATTACAG-3'